The following is an entry in ClinVar:

ClinVar aggregate classification (germline): Uncertain significance. Review status: criteria provided, multiple submitters, no conflicts (2 of 4 stars). 2 submissions from 2 submitters: Uncertain significance (2). Last evaluated 2021-07-14.

Conditions:
Inborn genetic diseases. Identifiers: MedGen C0950123, MeSH D030342.

Allele frequency attached by ClinVar (database versions not stated): gnomAD exomes below 0.00001 and 0.00003; gnomAD 0.00001; TOPMed 0.00001.
gnomAD v4.1: 41 of 1,613,788 alleles (0.0025%); highest among the groups gnomAD compares: Non-Finnish European, 0.0031%; no homozygotes.

Submissions (2):

Ambry Genetics
Classification: Uncertain significance for Inborn genetic diseases. Last evaluated: 2021-07-14. Review status: criteria provided, single submitter. Criteria: Ambry Variant Classification Scheme 2023. Collection method: clinical testing. Allele origin: germline.

Labcorp Genetics (formerly Invitae), Labcorp
Classification: Uncertain significance. Last evaluated: 2021-07-01. Review status: criteria provided, single submitter. Criteria: Invitae Variant Classification Sherloc (09022015). Collection method: clinical testing. Allele origin: germline.
Comment: This sequence change replaces asparagine with tyrosine at codon 649 of the CEP78 protein (p.Asn649Tyr). The asparagine residue is moderately conserved and there is a large physicochemical difference between asparagine and tyrosine. This variant is not present in population databases (ExAC no frequency). This variant has not been reported in the literature in individuals affected with CEP78-related conditions. Algorithms developed to predict the effect of missense changes on protein structure and function are either unavailable or do not agree on the potential impact of this missense change (SIFT: "Deleterious"; PolyPhen-2: "Benign"; Align-GVGD: "Class C0"). In summary, the available evidence is currently insufficient to determine the role of this variant in disease. Therefore, it has been classified as a Variant of Uncertain Significance.

NM_001330691.3(CEP78):c.1942A>T (p.Asn648Tyr)

Gene: CEP78 (centrosomal protein 78; plus strand). Cytogenetic location: 9q21.2.
Variant type: single nucleotide variant.
Coding change: c.1942A>T on transcript NM_001330691.3 (MANE Select); coding-DNA position 1942, A replaced by T.
Protein change: p.Asn648Tyr; replaces asparagine 648 with tyrosine.
Molecular consequence: missense variant.
Genome position (GRCh38, 1-based): chr9:78,266,538, A>T. VCF-style: chr9-78266538-A-T. GRCh37 (hg19) VCF-style: chr9-80881454-A-T.
Other names: c.1945A>T (NM_001098802.1); c.1945A>T, p.Asn649Tyr (NM_001098802.3, NM_001349839.2); c.1894A>T, p.Asn632Tyr (NM_001330693.3, NM_001330694.2); c.1942A>T, p.Asn648Tyr (NM_001349838.2); c.1897A>T, p.Asn633Tyr (NM_001349840.2, NM_032171.3); short protein forms N632Y, N648Y, N633Y, N649Y.
Identifiers: ClinVar variation 1504901 (VCV001504901.9), dbSNP rs934565760, ClinGen allele CA194409091.